The following is an entry in ClinVar:

NM_030973.4(MED25):c.1680_1682del (p.Gly561del)

Gene: MED25 (mediator complex subunit 25; plus strand). Cytogenetic location: 19q13.33.
Variant type: Deletion.
Coding change: c.1680_1682del on transcript NM_030973.4 (MANE Select); coding-DNA positions 1680 to 1682, 3 bases deleted (GGG; older notation c.1680_1682delGGG).
Protein change: p.Gly561del; deletes glycine 561.
Molecular consequence: inframe deletion.
Genome position (GRCh38, 1-based): chr19:49,835,539-49,835,541, GGG deleted; deleting any 3 consecutive bases within chr19:49,835,536-49,835,541 gives the same sequence; the c. name uses the placement nearest the transcript's 3' end. VCF-style (leftmost placement, unchanged base first): chr19-49835535-TGGG-T. GRCh37 (hg19) VCF-style: chr19-50338792-TGGG-T.
Other names: c.1680_1682del, p.Gly561del (NM_001378355.1); short protein forms G561del.
Identifiers: ClinVar variation 1916780 (VCV001916780.4), dbSNP rs765398345, ClinGen allele CA9585343.

ClinVar aggregate classification (germline): Uncertain significance. Review status: criteria provided, multiple submitters, no conflicts (2 of 4 stars). 2 submissions from 2 submitters: Uncertain significance (2). Last evaluated 2022-08-13.

Conditions:
Congenital cataract-microcephaly-nevus flammeus simplex-severe intellectual disability syndrome. Also called: Basel-Vanagaite-Smirin-Yosef syndrome. Identifiers: Orphanet 464738, MedGen C4225323, MONDO:0014643, OMIM 616449.
Charcot-Marie-Tooth disease type 2. Also called: Charcot-Marie-Tooth type 2. Identifiers: Orphanet 64746, MedGen C0270914, MONDO:0018993.

Submissions (2):

Labcorp Genetics (formerly Invitae), Labcorp
Classification: Uncertain significance for Charcot-Marie-Tooth disease type 2. Last evaluated: 2022-08-13. Review status: criteria provided, single submitter. Criteria: Invitae Variant Classification Sherloc (09022015). Collection method: clinical testing. Allele origin: germline.
Comment: This variant, c.1680_1682del, results in the deletion of 1 amino acid(s) of the MED25 protein (p.Gly561del), but otherwise preserves the integrity of the reading frame. This variant is present in population databases (rs765398345, gnomAD 0.004%). This variant has not been reported in the literature in individuals affected with MED25-related conditions. Experimental studies and prediction algorithms are not available or were not evaluated, and the functional significance of this variant is currently unknown. In summary, the available evidence is currently insufficient to determine the role of this variant in disease. Therefore, it has been classified as a Variant of Uncertain Significance.

Juno Genomics, Hangzhou Juno Genomics, Inc
Classification: Uncertain significance for Congenital cataract-microcephaly-nevus flammeus simplex-severe intellectual disability syndrome. Review status: criteria provided, single submitter. Criteria: ACMG Guidelines, 2015. Collection method: clinical testing. Allele origin: germline. Affected: yes.
Comment: Absent from controls (or at extremely low frequency if recessive) in Genome Aggregation Database, Exome Sequencing Project, 1000 Genomes Project, or Exome Aggregation Consortium.;Protein length changes due to in-frame deletions/insertions in a non-repeat region or stop-loss variants.;For recessive disorders, detected in trans with a pathogenic variant.